The following is an entry in ClinVar:

NM_019066.5(MAGEL2):c.1867C>A (p.Pro623Thr)

Gene: MAGEL2 (MAGE family member L2; minus strand). Cytogenetic location: 15q11.2.
Variant type: single nucleotide variant.
Coding change: c.1867C>A on transcript NM_019066.5 (MANE Select); coding-DNA position 1867, C replaced by A.
Protein change: p.Pro623Thr; replaces proline 623 with threonine.
Molecular consequence: missense variant.
Genome position (GRCh38, 1-based): chr15:23,645,876, G>T on the plus strand (C>A on the coding strand, the complement: MAGEL2 is on the minus strand). VCF-style: chr15-23645876-G-T. GRCh37 (hg19) VCF-style: chr15-23891023-G-T.
Other names: short protein forms P623T.
Identifiers: ClinVar variation 3349165 (VCV003349165.2).
Genomic context (GRCh38, chr15:23,645,876, plus strand): 5'-CCAAGGGGGGAGCCTGCCTCTGGGCCTCCTGGGCAGGCAGGGGCTGCCAGATGTGAGTGG[G>T]GGCCTTCTGGGCCTGCCAGGCCAGCGCCTGTGTCTGCTGCACCTCCTGGAATTCCATTGA-3'
Protein context (NP_061939.3, residues 613-633): QALAWQAQKA[Pro623Thr]THIWQPLPAQ

ClinVar aggregate classification (germline): Uncertain significance (1 of 4 stars; one submission).

Conditions:
MAGEL2-related disorder. Also called: MAGEL2-related condition.

Submission:

PreventionGenetics, part of Exact Sciences
Classification: Uncertain significance for MAGEL2-related condition. Last evaluated: 2025-07-17. Review status: criteria provided, single submitter. Criteria: ACMG Guidelines, 2015. Collection method: clinical testing. Allele origin: germline.
Comment: The MAGEL2 c.1867C>A variant is predicted to result in the amino acid substitution p.Pro623Thr. To our knowledge, this variant has not been reported in the literature or in a large population database (gnomAD), indicating this variant is rare. At this time, the clinical significance of this variant is uncertain due to the absence of conclusive functional and genetic evidence.